The following is an entry in ClinVar:

ClinVar aggregate classification (germline): Uncertain significance (1 of 4 stars; one submission).

Allele frequency attached by ClinVar (database versions not stated): gnomAD 0.00004 and 0.00005; 1000 Genomes Project 30x 0.00016; 1000 Genomes Project 0.00020.
gnomAD v4.1: 9 of 1,611,546 alleles (0.00056%); highest among the groups gnomAD compares: African/African-American, 0.012%; no homozygotes.

Submission:

Labcorp Genetics (formerly Invitae), Labcorp
Classification: Uncertain significance. Last evaluated: 2021-10-07. Review status: criteria provided, single submitter. Criteria: Invitae Variant Classification Sherloc (09022015). Collection method: clinical testing. Allele origin: germline.
Comment: In summary, the available evidence is currently insufficient to determine the role of this variant in disease. Therefore, it has been classified as a Variant of Uncertain Significance. Algorithms developed to predict the effect of missense changes on protein structure and function are either unavailable or do not agree on the potential impact of this missense change (SIFT: "Tolerated"; PolyPhen-2: "Probably Damaging"; Align-GVGD: "Class C0"). This variant has not been reported in the literature in individuals affected with CARMIL2-related conditions. This variant is present in population databases (rs557611159, ExAC 0.03%). This sequence change replaces proline with serine at codon 1417 of the CARMIL2 protein (p.Pro1417Ser). The proline residue is moderately conserved and there is a moderate physicochemical difference between proline and serine.

NM_001013838.3(CARMIL2):c.4249C>T (p.Pro1417Ser)

Gene: CARMIL2 (capping protein regulator and myosin 1 linker 2; plus strand). Cytogenetic location: 16q22.1.
Variant type: single nucleotide variant.
Coding change: c.4249C>T on transcript NM_001013838.3 (MANE Select); coding-DNA position 4249, C replaced by T.
Protein change: p.Pro1417Ser; replaces proline 1417 with serine.
Molecular consequence: missense variant.
Genome position (GRCh38, 1-based): chr16:67,657,459, C>T. VCF-style: chr16-67657459-C-T. GRCh37 (hg19) VCF-style: chr16-67691362-C-T.
Other names: c.4060C>T, p.Pro1354Ser (NM_001317026.3); short protein forms P1417S, P1354S.
Identifiers: ClinVar variation 1373008 (VCV001373008.4), dbSNP rs557611159, ClinGen allele CA8114310.